The following is an entry in ClinVar:

ClinVar aggregate classification (germline): Uncertain significance (1 of 4 stars; one submission).

Conditions:
Autosomal dominant nonsyndromic hearing loss 1. Also called: KONIGSMARK SYNDROME; DEAFNESS, AUTOSOMAL DOMINANT 1, WITH OR WITHOUT THROMBOCYTOPENIA. Identifiers: Orphanet 90635, MedGen C1852282, MONDO:0007424, OMIM 124900.
Progressive microcephaly-seizures-cortical blindness-developmental delay syndrome. Also called: Seizures, cortical blindness, and microcephaly syndrome. Identifiers: Orphanet 477814, MedGen C5567650, MONDO:0014714, OMIM 616632.

gnomAD v4.1: 6 of 1,571,066 alleles (0.00038%); highest among the groups gnomAD compares: Non-Finnish European, 0.00052%; no homozygotes.

Submission:

Labcorp Genetics (formerly Invitae), Labcorp
Classification: Uncertain significance for Progressive microcephaly-seizures-cortical blindness-developmental delay syndrome; Autosomal dominant nonsyndromic hearing loss 1. Last evaluated: 2024-06-15. Review status: criteria provided, single submitter. Criteria: Invitae Variant Classification Sherloc (09022015). Collection method: clinical testing. Allele origin: germline.
Comment: This sequence change replaces proline, which is neutral and non-polar, with leucine, which is neutral and non-polar, at codon 608 of the DIAPH1 protein (p.Pro608Leu). This variant is not present in population databases (gnomAD no frequency). This variant has not been reported in the literature in individuals affected with DIAPH1-related conditions. Algorithms developed to predict the effect of missense changes on protein structure and function output the following: SIFT: "Not Available"; PolyPhen-2: "Not Available"; Align-GVGD: "Not Available". The leucine amino acid residue is found in multiple mammalian species, which suggests that this missense change does not adversely affect protein function. In summary, the available evidence is currently insufficient to determine the role of this variant in disease. Therefore, it has been classified as a Variant of Uncertain Significance.

NM_005219.5(DIAPH1):c.1823C>T (p.Pro608Leu)

Gene: DIAPH1 (diaphanous related formin 1; minus strand). Cytogenetic location: 5q31.3.
Variant type: single nucleotide variant.
Coding change: c.1823C>T on transcript NM_005219.5 (MANE Select); coding-DNA position 1823, C replaced by T.
Protein change: p.Pro608Leu; replaces proline 608 with leucine.
Molecular consequence: missense variant.
Genome position (GRCh38, 1-based): chr5:141,574,027, G>A on the plus strand (C>T on the coding strand, the complement: DIAPH1 is on the minus strand). VCF-style: chr5-141574027-G-A. GRCh37 (hg19) VCF-style: chr5-140953594-G-A.
Other names: c.1796C>T, p.Pro599Leu (NM_001079812.3); c.1823C>T, p.Pro608Leu (NM_001314007.2); short protein forms P599L, P608L.
Identifiers: ClinVar variation 3755845 (VCV003755845.2).